The following is an entry in ClinVar:

NM_001319217.2(CYP1A1):c.1384A>G (p.Ile462Val)

Gene: CYP1A1 (cytochrome P450 family 1 subfamily A member 1; minus strand). Cytogenetic location: 15q24.1.
Variant type: single nucleotide variant.
Coding change: c.1384A>G on transcript NM_001319217.2 (MANE Select); coding-DNA position 1384, A replaced by G.
Protein change: p.Ile462Val; replaces isoleucine 462 with valine.
Molecular consequence: missense variant.
Genome position (GRCh38, 1-based): chr15:74,720,644, T>C on the plus strand (A>G on the coding strand, the complement: CYP1A1 is on the minus strand). VCF-style: chr15-74720644-T-C. GRCh37 (hg19) VCF-style: chr15-75012985-T-C.
Other names: c.1384A>G, p.Ile462Val (NM_000499.5); c.1297A>G, p.Ile433Val (NM_001319216.2); short protein forms I433V, I462V.
Identifiers: ClinVar variation 3060599 (VCV003060599.2), dbSNP rs1048943, ClinGen allele CA7659241.
Genomic context (GRCh38, chr15:74,720,644, plus strand): 5'-CGCTGAATTCCACCCGTTGCAGCAGGATAGCCAGGAAGAGAAAGACCTCCCAGCGGGCAA[T>C]GGTCTCACCGATACACTTCCGCTTGCCCATGCCAAAGATAATCACCTTCTCACTTAACAC-3'
Protein context (NP_001306146.1, residues 452-472): MGKRKCIGET[Ile462Val]ARWEVFLFLA

ClinVar aggregate classification (germline): Benign (0 of 4 stars; one submission).

Conditions:
CYP1A1-related disorder. Also called: CYP1A1-related condition.

Allele frequency attached by ClinVar (database versions not stated): ESP Exome Variant Server 0.02718; gnomAD 0.06335; TOPMed 0.07681; ExAC 0.09402; 1000 Genomes Project 30x 0.13086; 1000 Genomes Project 0.13339.
gnomAD v4.1: 90,970 of 1,613,998 alleles (5.6%); highest among the groups gnomAD compares: Admixed American, 33%; 6,819 homozygotes.

Submission:

PreventionGenetics, part of Exact Sciences
Classification: Benign for CYP1A1-related condition. Last evaluated: 2019-10-18. Review status: no assertion criteria provided. Collection method: clinical testing. Allele origin: germline.
Comment: This variant is classified as benign based on ACMG/AMP sequence variant interpretation guidelines (Richards et al. 2015 PMID: 25741868, with internal and published modifications).